The following is an entry in ClinVar:

NM_001008537.3(NEXMIF):c.3032T>C (p.Leu1011Ser)

Gene: NEXMIF (neurite extension and migration factor; minus strand). Cytogenetic location: Xq13.3.
Variant type: single nucleotide variant.
Coding change: c.3032T>C on transcript NM_001008537.3 (MANE Select); coding-DNA position 3032, T replaced by C.
Protein change: p.Leu1011Ser; replaces leucine 1011 with serine.
Molecular consequence: missense variant.
Genome position (GRCh38, 1-based): chrX:74,741,525, A>G on the plus strand (T>C on the coding strand, the complement: NEXMIF is on the minus strand). VCF-style: chrX-74741525-A-G. GRCh37 (hg19) VCF-style: chrX-73961360-A-G.
Other names: short protein forms L1011S.
Identifiers: ClinVar variation 3770011 (VCV003770011.1).

ClinVar aggregate classification (germline): Uncertain significance (1 of 4 stars; one submission).

gnomAD v4.1: 1 of 1,211,602 alleles (0.000083%); highest among the groups gnomAD compares: Non-Finnish European, 0.00011%; no homozygotes.

Submission:

GeneDx
Classification: Uncertain significance. Last evaluated: 2024-09-11. Review status: criteria provided, single submitter. Criteria: GeneDx Variant Classification Process June 2021. Collection method: clinical testing. Allele origin: germline. Affected: yes.
Comment: Not observed at significant frequency in large population cohorts (gnomAD); In silico analysis indicates that this missense variant does not alter protein structure/function; Has not been previously published as pathogenic or benign to our knowledge.